The following is an entry in ClinVar:

ClinVar aggregate classification (germline): Pathogenic/Likely pathogenic. Review status: criteria provided, multiple submitters, no conflicts (2 of 4 stars). 3 submissions from 3 submitters: Pathogenic (1); Likely pathogenic (2). Last evaluated 2025-05-01.

Conditions:
Familial thoracic aortic aneurysm and aortic dissection (TAAD). Also called: Thoracic aortic aneurysms and dissections. Identifiers: Orphanet 91387, MedGen C4707243, MONDO:0019625.

Submissions (4):

GeneDx
Classification: Likely pathogenic. Last evaluated: 2025-05-01. Review status: criteria provided, single submitter. Criteria: GeneDx Variant Classification Process June 2021. Collection method: clinical testing. Allele origin: germline. Affected: yes.
Comment: In-frame deletion of 3 amino acids and insertion of 1 amino acid in a non-repeat region; In silico analysis supports a deleterious effect on protein structure/function; Not observed at significant frequency in large population cohorts (gnomAD); Has not been previously published as pathogenic or benign to our knowledge

Ambry Genetics
Classification: Likely pathogenic for Familial thoracic aortic aneurysm and aortic dissection. Last evaluated: 2024-05-24. Review status: criteria provided, single submitter. Criteria: Ambry Variant Classification Scheme 2023. Collection method: clinical testing. Allele origin: germline.
Comment: The c.275_281delGGCGATGinsC variant, located in coding exon 2 of the SMAD3 gene, results from an in-frame deletion of GGCGATG and insertion of C at nucleotide positions 275 to 281. This results in the substitution of the residues for a serine residue at codon 92, an amino acid with highly similar properties. This variant has been detected in individuals with concerns for Loeys-Dietz syndrome, including segregating in one family (external communications). This variant is considered to be rare based on population cohorts in the Genome Aggregation Database (gnomAD). This amino acid positions are highly conserved in available vertebrate species. In addition, this alteration is predicted to be deleterious by in silico analysis (Choi Y et al. PLoS ONE. 2012; 7(10):e46688). Based on the majority of available evidence to date, this variant is likely to be pathogenic.

Labcorp Genetics (formerly Invitae), Labcorp
Classification: Pathogenic for Familial thoracic aortic aneurysm and aortic dissection. Last evaluated: 2023-07-25. Review status: criteria provided, single submitter. Criteria: Invitae Variant Classification Sherloc (09022015). Collection method: clinical testing. Allele origin: germline.
Comment: For these reasons, this variant has been classified as Pathogenic. This variant, c.275_281delinsC, is a complex sequence change that results in the deletion of 3 and insertion of 1 amino acid(s) in the SMAD3 protein (p.Trp92_Trp94delinsSer). This variant has been observed in individuals with SMAD3-related conditions (Invitae). ClinVar contains an entry for this variant (Variation ID: 213789). This variant disrupts a region of the SMAD3 protein in which other variant(s) (p.Arg93Gln) have been determined to be pathogenic (PMID: 29543232; Invitae). This suggests that this is a clinically significant region of the protein, and that variants that disrupt it are likely to be disease-causing.

Seelig Lab, University of Washington
No classification provided (evidence only). Review status: no classification provided. Collection method: in vitro. Allele origin: not applicable. Functional consequence: effect on translation. Not counted in ClinVar's aggregate classification.
ClinVar note: "not provided" was previously submitted as the classification for the variant. However, the classification appeared to be based only on an observation of functional data so it was converted to no classification on 2025-07-30.

Literature cited by the submitters: PubMed 29543232 (cited by Labcorp Genetics (formerly Invitae), Labcorp).

NM_005902.4(SMAD3):c.275_281delinsC (p.Trp92_Trp94delinsSer)

Gene: SMAD3 (SMAD family member 3; plus strand). Cytogenetic location: 15q22.33.
Variant type: Indel.
Coding change: c.275_281delinsC on transcript NM_005902.4 (MANE Select); coding-DNA positions 275 to 281, GGCGATG replaced by C.
Protein change: p.Trp92_Trp94delinsSer.
Molecular consequence: inframe indel. On other transcripts: 5 prime UTR variant (1).
Genome position (GRCh38, 1-based): chr15:67,164,963-67,164,969, GGCGATG replaced by C. VCF-style: chr15-67164963-GGCGATG-C. GRCh37 (hg19) VCF-style: chr15-67457301-GGCGATG-C.
Other names: c.-41_-35delinsC (NM_001145102.2); c.143_149delinsC, p.Trp48_Trp50delinsSer (NM_001145103.2).
Identifiers: ClinVar variation 213789 (VCV000213789.13), dbSNP rs863223756, ClinGen allele CA320096.
Genomic context (GRCh38, chr15:67,164,963, plus strand): 5'-ATGGCCGGTTGCAGGTGTCCCATCGGAAGGGGCTCCCTCATGTCATCTACTGCCGCCTGT[GGCGATG>C]GCCAGACCTGCACAGCCACCACGAGCTACGGGCCATGGAGCTGTGTGAGTTCGCCTTCAA-3'